The following is an entry in ClinVar:

NM_015311.3(OBSL1):c.3746C>T (p.Ala1249Val)

Gene: OBSL1 (obscurin like cytoskeletal adaptor 1; minus strand). Cytogenetic location: 2q35.
Variant type: single nucleotide variant.
Coding change: c.3746C>T on transcript NM_015311.3 (MANE Select); coding-DNA position 3746, C replaced by T.
Protein change: p.Ala1249Val; replaces alanine 1249 with valine.
Molecular consequence: missense variant.
Genome position (GRCh38, 1-based): chr2:219,557,867, G>A on the plus strand (C>T on the coding strand, the complement: OBSL1 is on the minus strand). VCF-style: chr2-219557867-G-A. GRCh37 (hg19) VCF-style: chr2-220422589-G-A.
Other names: c.3746C>T, p.Ala1249Val (NM_001173431.2); short protein forms A1249V.
Identifiers: ClinVar variation 1403393 (VCV001403393.8), dbSNP rs1207083047, ClinGen allele CA350734342.
Genomic context (GRCh38, chr2:219,557,867, plus strand): 5'-CCCAGGCTGTACTCACCAGCCACCTGGACGGTGAAGCTGAGGCTTGGGGCTCCGGGGGCT[G>A]CTCCAGACTGGCAGGTGTAGAGCCCTGCATGGGCTGGGCCTGCAGCCTGGATGCAGAGGA-3'
Protein context (NP_056126.1, residues 1239-1259): HAGLYTCQSG[Ala1249Val]APGAPSLSFT

ClinVar aggregate classification (germline): Uncertain significance (1 of 4 stars; one submission).

Submission:

Labcorp Genetics (formerly Invitae), Labcorp
Classification: Uncertain significance. Last evaluated: 2021-05-06. Review status: criteria provided, single submitter. Criteria: Invitae Variant Classification Sherloc (09022015). Collection method: clinical testing. Allele origin: germline.
Comment: In summary, the available evidence is currently insufficient to determine the role of this variant in disease. Therefore, it has been classified as a Variant of Uncertain Significance. Algorithms developed to predict the effect of missense changes on protein structure and function output the following: SIFT: "Tolerated"; PolyPhen-2: "Benign"; Align-GVGD: "Class C0". The valine amino acid residue is found in multiple mammalian species, suggesting that this missense change does not adversely affect protein function. These predictions have not been confirmed by published functional studies and their clinical significance is uncertain. This variant has not been reported in the literature in individuals with OBSL1-related conditions. This variant is not present in population databases (ExAC no frequency). This sequence change replaces alanine with valine at codon 1249 of the OBSL1 protein (p.Ala1249Val). The alanine residue is weakly conserved and there is a small physicochemical difference between alanine and valine.